The following is an entry in ClinVar:

NC_000009.11:g.(?_338986)_(745235_?)dup

Genes: DOCK8 (dedicator of cytokinesis 8; plus strand), KANK1 (KN motif and ankyrin repeat domains 1; plus strand). Cytogenetic location: 9p24.3.
Variant type: Duplication.
Identifiers: ClinVar variation 3245217 (VCV003245217.1).

ClinVar aggregate classification (germline): Uncertain significance (1 of 4 stars; one submission).

Submission:

Labcorp Genetics (formerly Invitae), Labcorp
Classification: Uncertain significance. Last evaluated: 2024-01-06. Review status: criteria provided, single submitter. Criteria: Invitae Variant Classification Sherloc (09022015). Collection method: clinical testing. Allele origin: unknown.
Comment: This variant results in a copy number gain of the genomic region encompassing exon(s) 13-48 of the DOCK8 gene. This region includes the termination codon of the gene. This copy number gain extends beyond the assayed region for this gene and therefore may encompass additional genes. As the precise location of this event is unknown, it may be in tandem or it may be located elsewhere in the genome. This variant has not been reported in the literature in individuals affected with DOCK8-related conditions. Experimental studies and prediction algorithms are not available or were not evaluated, and the functional significance of this variant is currently unknown. In summary, the available evidence is currently insufficient to determine the role of this variant in disease. Therefore, it has been classified as a Variant of Uncertain Significance.